The following is an entry in ClinVar:

ClinVar aggregate classification (germline): Uncertain significance (1 of 4 stars; one submission).

Conditions:
Deficiency of phosphoserine phosphatase (PSPHD). Also called: Phosphoserine phosphatase deficiency; PSPH deficiency. Identifiers: Orphanet 79350, MedGen C1291463, MONDO:0013531, OMIM 614023.

Submission:

Victorian Clinical Genetics Services, Murdoch Childrens Research Institute
Classification: Uncertain significance for Deficiency of phosphoserine phosphatase. Last evaluated: 2025-08-21. Review status: criteria provided, single submitter. Criteria: ACMG Guidelines, 2015. Collection method: clinical testing. Allele origin: germline. Affected: yes.
Comment: This variant is classified as VUS-3A. Evidence in support of pathogenic classification: Variant is absent from gnomAD (v2, v3 and v4); Missense variant predicted to be damaging by in silico tool(s) or highly conserved with a major amino acid change. Additional information: Variant is predicted to result in a missense amino acid change from Ala to Pro; This variant is heterozygous; This gene is associated with autosomal recessive disease; This variant has no previous evidence of pathogenicity; No published evidence of segregation with disease has been identified for this variant; No published functional evidence has been identified for this variant; No comparable missense variants have previous evidence for pathogenicity; Variant is located in the annotated Hydrolase domain (DECIPHER); Loss of function is a known mechanism of disease in this gene and is associated with phosphoserine phosphatase deficiency (MIM#614023; PMID: 14673469); Inheritance information for this variant is not currently available in this individual.

Literature cited by the submitters: PubMed 14673469.

NM_004577.4(PSPH):c.568G>C (p.Ala190Pro)

Gene: PSPH (phosphoserine phosphatase; minus strand). Cytogenetic location: 7p11.2.
Variant type: single nucleotide variant.
Coding change: c.568G>C on transcript NM_004577.4 (MANE Select); coding-DNA position 568, G replaced by C.
Protein change: p.Ala190Pro; replaces alanine 190 with proline.
Molecular consequence: missense variant.
Genome position (GRCh38, 1-based): chr7:56,015,025, C>G on the plus strand (G>C on the coding strand, the complement: PSPH is on the minus strand). VCF-style: chr7-56015025-C-G. GRCh37 (hg19) VCF-style: chr7-56082718-C-G.
Other names: c.568G>C, p.Ala190Pro (NM_001370503.1, NM_001370504.1, NM_001370505.1 and 17 more transcripts); short protein forms A190P.
Identifiers: ClinVar variation 4532073 (VCV004532073.1).